The following is an entry in ClinVar:

NM_001271.4(CHD2):c.1378-18T>C

Gene: CHD2 (chromodomain helicase DNA binding protein 2; plus strand). Cytogenetic location: 15q26.1.
Variant type: single nucleotide variant.
Coding change: c.1378-18T>C on transcript NM_001271.4 (MANE Select); 18 bases into the intron before coding-DNA position 1378, T replaced by C.
Molecular consequence: intron variant.
Genome position (GRCh38, 1-based): chr15:92,948,934, T>C. VCF-style: chr15-92948934-T-C. GRCh37 (hg19) VCF-style: chr15-93492164-T-C.
Other names: c.1378-18T>C (NM_001042572.3).
Identifiers: ClinVar variation 514663 (VCV000514663.4), dbSNP rs748100193, ClinGen allele CA7747804.

ClinVar aggregate classification (germline): Likely benign. Review status: criteria provided, multiple submitters, no conflicts (2 of 4 stars). 2 submissions from 2 submitters: Likely benign (2). Last evaluated 2022-11-16.

Conditions:
Developmental and epileptic encephalopathy 94 (DEE94). Also called: Epileptic encephalopathy, childhood-onset; CHD2-Related Neurodevelopmental Disorders. Identifiers: Orphanet 1942, Orphanet 2382, MedGen C3809278, MONDO:0014150, OMIM 615369.

Allele frequency attached by ClinVar (database versions not stated): ExAC 0.00001; gnomAD 0.00001; gnomAD exomes 0.00001; TOPMed 0.00001.
gnomAD v4.1: 6 of 1,607,982 alleles (0.00037%); highest among the groups gnomAD compares: East Asian, 0.0045%; no homozygotes.

Submissions (2):

Labcorp Genetics (formerly Invitae), Labcorp
Classification: Likely benign for Developmental and epileptic encephalopathy 94. Last evaluated: 2022-11-16. Review status: criteria provided, single submitter. Criteria: Invitae Variant Classification Sherloc (09022015). Collection method: clinical testing. Allele origin: germline.

GeneDx
Classification: Likely benign. Last evaluated: 2018-01-15. Review status: criteria provided, single submitter. Criteria: GeneDx Variant Classification (06012015). Collection method: clinical testing. Allele origin: germline. Affected: yes.
Comment: This variant is considered likely benign or benign based on one or more of the following criteria: it is a conservative change, it occurs at a poorly conserved position in the protein, it is predicted to be benign by multiple in silico algorithms, and/or has population frequency not consistent with disease.